The following is an entry in ClinVar:

ClinVar aggregate classification (germline): Uncertain significance (1 of 4 stars; one submission).

Conditions:
Pitt-Hopkins syndrome (PTHS). Also called: ENCEPHALOPATHY, SEVERE EPILEPTIC, WITH AUTONOMIC DYSFUNCTION; MENTAL RETARDATION, SYNDROMAL, WITH INTERMITTENT HYPERVENTILATION. Identifiers: Orphanet 2896, MedGen C1970431, MONDO:0012589, OMIM 610954.

Allele frequency attached by ClinVar (database versions not stated): gnomAD exomes below 0.00001; TOPMed below 0.00001; gnomAD 0.00001.
gnomAD v4.1: 3 of 1,613,082 alleles (0.00019%); highest among the groups gnomAD compares: Non-Finnish European, 0.00025%; no homozygotes.

Submission:

Labcorp Genetics (formerly Invitae), Labcorp
Classification: Uncertain significance for Pitt-Hopkins syndrome. Last evaluated: 2023-04-25. Review status: criteria provided, single submitter. Criteria: Invitae Variant Classification Sherloc (09022015). Collection method: clinical testing. Allele origin: germline.
Comment: This variant is present in population databases (no rsID available, gnomAD 0.002%). This sequence change replaces serine, which is neutral and polar, with asparagine, which is neutral and polar, at codon 125 of the TCF4 protein (p.Ser125Asn). This variant has not been reported in the literature in individuals affected with TCF4-related conditions. In summary, the available evidence is currently insufficient to determine the role of this variant in disease. Therefore, it has been classified as a Variant of Uncertain Significance. Advanced modeling of protein sequence and biophysical properties (such as structural, functional, and spatial information, amino acid conservation, physicochemical variation, residue mobility, and thermodynamic stability) performed at Invitae indicates that this missense variant is not expected to disrupt TCF4 protein function.

NM_001083962.2(TCF4):c.374G>A (p.Ser125Asn)

Gene: TCF4 (transcription factor 4; minus strand). Cytogenetic location: 18q21.2.
Variant type: single nucleotide variant.
Coding change: c.374G>A on transcript NM_001083962.2 (MANE Select); coding-DNA position 374, G replaced by A.
Protein change: p.Ser125Asn; replaces serine 125 with asparagine.
Molecular consequence: missense variant. On other transcripts: 5 prime UTR variant (4).
Genome position (GRCh38, 1-based): chr18:55,350,999, C>T on the plus strand (G>A on the coding strand, the complement: TCF4 is on the minus strand). VCF-style: chr18-55350999-C-T. GRCh37 (hg19) VCF-style: chr18-53018230-C-T.
Other names: c.680G>A, p.Ser227Asn (NM_001243226.3); c.302G>A, p.Ser101Asn (NM_001243227.2, NM_001306207.1, NM_001369575.1 and 9 more transcripts); c.374G>A, p.Ser125Asn (NM_001243228.2, NM_001330604.3, NM_001369568.1 and 5 more transcripts); c.368G>A, p.Ser123Asn (NM_001243230.2); c.248G>A, p.Ser83Asn (NM_001243231.2, NM_001348211.2); c.161G>A, p.Ser54Asn (NM_001243232.1, NM_001306208.1); c.-17G>A (NM_001243233.2, NM_001330605.3, NM_001348212.2 and 1 more transcripts); c.371G>A, p.Ser124Asn (NM_001369569.1, NM_001369570.1, NM_001369573.1); and 1 more; short protein forms S100N, S101N, S123N, S227N, S54N, S83N, S124N, S125N.
Identifiers: ClinVar variation 2782042 (VCV002782042.3), dbSNP rs1372478845, ClinGen allele CA402702723.
Genomic context (GRCh38, chr18:55,350,999, plus strand): 5'-CCAGGTTTGGTGGGCGAAAGGGTTCCTGGGTTGCCCATATCCATGTCACCTCCAAGGAGA[C>T]TCTGCTAAAAGGTTAAAAAGGGAAAACAAACATATAAGGTTAATTTTTTACTTTCACCAC-3'
Protein context (NP_001077431.1, residues 115-135): ESNLQGCHQQ[Ser125Asn]LLGGDMDMGN